The following is an entry in ClinVar:

ClinVar aggregate classification (germline): Uncertain significance (1 of 4 stars; one submission).

Allele frequency attached by ClinVar (database versions not stated): gnomAD exomes below 0.00001; gnomAD 0.00001.
gnomAD v4.1: 2 of 1,614,116 alleles (0.00012%); highest among the groups gnomAD compares: Admixed American, 0.0017%; no homozygotes.

Submission:

GeneDx
Classification: Uncertain significance. Last evaluated: 2020-01-24. Review status: criteria provided, single submitter. Criteria: GeneDx Variant Classification Process June 2021. Collection method: clinical testing. Allele origin: germline. Affected: yes.
Comment: Has not been previously published as pathogenic or benign to our knowledge; Not observed in large population cohorts (Lek et al., 2016); In silico analysis, which includes protein predictors and evolutionary conservation, supports that this variant does not alter protein structure/function

NM_001018116.2(CAVIN4):c.623A>G (p.Gln208Arg)

Gene: CAVIN4 (caveolae associated protein 4; plus strand). Cytogenetic location: 9q31.1.
Variant type: single nucleotide variant.
Coding change: c.623A>G on transcript NM_001018116.2 (MANE Select); coding-DNA position 623, A replaced by G.
Protein change: p.Gln208Arg; replaces glutamine 208 with arginine.
Molecular consequence: missense variant.
Genome position (GRCh38, 1-based): chr9:100,585,979, A>G. VCF-style: chr9-100585979-A-G. GRCh37 (hg19) VCF-style: chr9-103348261-A-G.
Other names: short protein forms Q208R.
Identifiers: ClinVar variation 1315033 (VCV001315033.2), dbSNP rs1839471910, ClinGen allele CA374252044.